The following is an entry in ClinVar:

NM_031229.4(RBCK1):c.1049A>G (p.Tyr350Cys)

Gene: RBCK1 (RANBP2-type and C3HC4-type zinc finger containing 1; plus strand). Cytogenetic location: 20p13.
Variant type: single nucleotide variant.
Coding change: c.1049A>G on transcript NM_031229.4 (MANE Select); coding-DNA position 1049, A replaced by G.
Protein change: p.Tyr350Cys; replaces tyrosine 350 with cysteine.
Molecular consequence: missense variant. On other transcripts: non-coding transcript variant (1).
Genome position (GRCh38, 1-based): chr20:427,332, A>G. VCF-style: chr20-427332-A-G. GRCh37 (hg19) VCF-style: chr20-407976-A-G.
Other names: c.539A>G, p.Tyr180Cys (NM_001323956.2, NM_001323958.2); c.1100A>G, p.Tyr367Cys (NM_001410770.1); c.923A>G, p.Tyr308Cys (NM_006462.6); short protein forms Y308C, Y350C, Y180C, Y367C.
Identifiers: ClinVar variation 1982451 (VCV001982451.3), dbSNP rs1253008275, ClinGen allele CA407933646.

ClinVar aggregate classification (germline): Uncertain significance (1 of 4 stars; one submission).

Conditions:
Polyglucosan body myopathy type 1 (PGBM1). Also called: Polyglucosan body myopathy 1 with or without immunodeficiency; POLYGLUCOSAN BODY MYOPATHY WITHOUT IMMUNODEFICIENCY. Identifiers: Orphanet 329173, Orphanet 397937, MedGen C4014605, MONDO:0014389, OMIM 615895.

Allele frequency attached by ClinVar (database versions not stated): gnomAD exomes below 0.00001; gnomAD 0.00001; TOPMed 0.00001.
gnomAD v4.1: 6 of 1,614,030 alleles (0.00037%); highest among the groups gnomAD compares: Non-Finnish European, 0.00051%; no homozygotes.

Submission:

Labcorp Genetics (formerly Invitae), Labcorp
Classification: Uncertain significance for Polyglucosan body myopathy type 1. Last evaluated: 2026-01-19. Review status: criteria provided, single submitter. Criteria: Invitae Variant Classification Sherloc (09022015). Collection method: clinical testing. Allele origin: germline.
Comment: This sequence change replaces tyrosine, which is neutral and polar, with cysteine, which is neutral and slightly polar, at codon 350 of the RBCK1 protein (p.Tyr350Cys). This variant is present in population databases (no rsID available, gnomAD 0.002%). This variant has not been reported in the literature in individuals affected with RBCK1-related conditions. ClinVar contains an entry for this variant (Variation ID: 1982451). Invitae Evidence Modeling of protein sequence and biophysical properties (such as structural, functional, and spatial information, amino acid conservation, physicochemical variation, residue mobility, and thermodynamic stability) has been performed for this missense variant. However, the output from this modeling did not meet the statistical confidence thresholds required to predict the impact of this variant on RBCK1 protein function. In summary, the available evidence is currently insufficient to determine the role of this variant in disease. Therefore, it has been classified as a Variant of Uncertain Significance.